The following is an entry in ClinVar:

NM_005562.3(LAMC2):c.3178dup (p.Leu1060fs)

Gene: LAMC2 (laminin subunit gamma 2; plus strand). Cytogenetic location: 1q25.3.
Variant type: Duplication.
Coding change: c.3178dup on transcript NM_005562.3 (MANE Select); coding-DNA position 3178, one base duplicated (C; older notation c.3178dupC).
Protein change: p.Leu1060fs; shifts the reading frame from leucine 1060.
Molecular consequence: frameshift variant.
Genome position (GRCh38, 1-based): chr1:183,240,148, C duplicated. VCF-style (leftmost placement, unchanged base first): chr1-183240147-G-GC. GRCh37 (hg19) VCF-style: chr1-183209282-G-GC.
Other names: c.3178dup, p.Leu1060fs (NM_018891.3); short protein forms L1060fs.
Identifiers: ClinVar variation 2829831 (VCV002829831.3), dbSNP rs2526133602, ClinGen allele CA2739275451.

ClinVar aggregate classification (germline): Pathogenic (1 of 4 stars; one submission).

Submission:

Labcorp Genetics (formerly Invitae), Labcorp
Classification: Pathogenic. Last evaluated: 2023-01-18. Review status: criteria provided, single submitter. Criteria: Invitae Variant Classification Sherloc (09022015). Collection method: clinical testing. Allele origin: germline.
Comment: For these reasons, this variant has been classified as Pathogenic. This variant has not been reported in the literature in individuals affected with LAMC2-related conditions. This variant is not present in population databases (gnomAD no frequency). This sequence change creates a premature translational stop signal (p.Leu1060Profs*9) in the LAMC2 gene. It is expected to result in an absent or disrupted protein product. Loss-of-function variants in LAMC2 are known to be pathogenic (PMID: 11907499, 16473856).

Literature cited by the submitters: PubMed 11907499; PubMed 16473856.